The following is an entry in ClinVar:

NM_000962.4(PTGS1):c.232C>T (p.Arg78Trp)

Gene: PTGS1 (prostaglandin-endoperoxide synthase 1; plus strand). Cytogenetic location: 9q33.2.
Variant type: single nucleotide variant.
Coding change: c.232C>T on transcript NM_000962.4 (MANE Select); coding-DNA position 232, C replaced by T.
Protein change: p.Arg78Trp; replaces arginine 78 with tryptophan.
Molecular consequence: missense variant. On other transcripts: 5 prime UTR variant (3).
Genome position (GRCh38, 1-based): chr9:122,378,453, C>T. VCF-style: chr9-122378453-C-T. GRCh37 (hg19) VCF-style: chr9-125140732-C-T.
Other names: p.Arg78Trp; c.232C>T, p.Arg78Trp (NM_001271164.2, NM_080591.3); c.-96C>T (NM_001271165.2, NM_001271166.2, NM_001271367.2); c.157C>T, p.Arg53Trp (NM_001271368.2); short protein forms R53W, R78W.
Identifiers: ClinVar variation 4683423 (VCV004683423.1).

ClinVar aggregate classification (germline): Likely benign (1 of 4 stars; one submission).

gnomAD v4.1: 1,115 of 1,614,068 alleles (0.069%); highest among the groups gnomAD compares: Admixed American, 1.6%; 10 homozygotes.

Submission:

Mayo Clinic Laboratories, Mayo Clinic
Classification: Likely benign. Last evaluated: 2024-01-23. Review status: criteria provided, single submitter. Criteria: ACMG Guidelines, 2015. Collection method: clinical testing. Allele origin: germline. Observed: 4 variant alleles.
Comment: BS1, BS2_supporting, PM1_supporting